The following is an entry in ClinVar:

ClinVar aggregate classification (germline): Uncertain significance. Review status: criteria provided, multiple submitters, no conflicts (2 of 4 stars). 2 submissions from 2 submitters: Uncertain significance (2). Last evaluated 2023-06-16.

Conditions:
Cohen-Gibson syndrome (COGIS). Also called: EED-Related Overgrowth. Identifiers: Orphanet 659396, MedGen C4479654, MONDO:0060510, OMIM 617561.
Inborn genetic diseases. Identifiers: MedGen C0950123, MeSH D030342.

Allele frequency attached by ClinVar (database versions not stated): ExAC 0.00001; TOPMed 0.00002.
gnomAD v4.1: 15 of 1,613,290 alleles (0.00093%); highest among the groups gnomAD compares: Non-Finnish European, 0.0013%; no homozygotes.

Submissions (2):

Ambry Genetics
Classification: Uncertain significance for Inborn genetic diseases. Last evaluated: 2023-06-16. Review status: criteria provided, single submitter. Criteria: Ambry Variant Classification Scheme 2023. Collection method: clinical testing. Allele origin: germline.

Labcorp Genetics (formerly Invitae), Labcorp
Classification: Uncertain significance for Cohen-Gibson syndrome. Last evaluated: 2022-09-07. Review status: criteria provided, single submitter. Criteria: Invitae Variant Classification Sherloc (09022015). Collection method: clinical testing. Allele origin: germline.
Comment: This sequence change replaces arginine, which is basic and polar, with methionine, which is neutral and non-polar, at codon 4 of the EED protein (p.Arg4Met). In summary, the available evidence is currently insufficient to determine the role of this variant in disease. Therefore, it has been classified as a Variant of Uncertain Significance. Algorithms developed to predict the effect of missense changes on protein structure and function (SIFT, PolyPhen-2, Align-GVGD) all suggest that this variant is likely to be tolerated. This variant has not been reported in the literature in individuals affected with EED-related conditions. This variant is present in population databases (rs766472086, gnomAD 0.004%).

NM_003797.5(EED):c.11G>T (p.Arg4Met)

Gene: EED (embryonic ectoderm development; plus strand). Cytogenetic location: 11q14.2.
Variant type: single nucleotide variant.
Coding change: c.11G>T on transcript NM_003797.5 (MANE Select); coding-DNA position 11, G replaced by T.
Protein change: p.Arg4Met; replaces arginine 4 with methionine.
Molecular consequence: missense variant.
Genome position (GRCh38, 1-based): chr11:86,245,240, G>T. VCF-style: chr11-86245240-G-T. GRCh37 (hg19) VCF-style: chr11-85956282-G-T.
Other names: c.11G>T, p.Arg4Met (NM_001308007.2, NM_001330334.2); c.11G>T (NM_003797.3); short protein forms R4M.
Identifiers: ClinVar variation 2073893 (VCV002073893.6), dbSNP rs766472086, ClinGen allele CA6216283.